The following is an entry in ClinVar:

ClinVar aggregate classification (germline): Benign/Likely benign. Review status: criteria provided, multiple submitters, no conflicts (2 of 4 stars). 5 submissions from 5 submitters: Benign (2); Likely benign (1). 2 of the submissions do not count toward it. Last evaluated 2016-08-02.

Allele frequency attached by ClinVar (database versions not stated): gnomAD exomes 0.00110 and 0.00292; ExAC 0.00374; ESP Exome Variant Server 0.01069; gnomAD 0.01084 and 0.01182; 1000 Genomes Project 0.01298; TOPMed 0.01384.
gnomAD v4.1: 3,302 of 1,611,006 alleles (0.2%); highest among the groups gnomAD compares: African/African-American, 3.8%; 48 homozygotes.

Submissions (5):

GeneDx
Classification: Benign. Last evaluated: 2016-08-02. Review status: criteria provided, single submitter. Criteria: GeneDx Variant Classification (06012015). Collection method: clinical testing. Allele origin: germline. Affected: yes.
Comment: This variant is considered likely benign or benign based on one or more of the following criteria: it is a conservative change, it occurs at a poorly conserved position in the protein, it is predicted to be benign by multiple in silico algorithms, and/or has population frequency not consistent with disease.

Eurofins Ntd Llc (ga)
Classification: Benign. Last evaluated: 2012-07-17. Review status: criteria provided, single submitter. Criteria: EGL Classification Definitions 2015. Collection method: clinical testing. Allele origin: germline. Observed: 3 variant alleles, 3 heterozygotes.

PreventionGenetics, part of Exact Sciences
Classification: Likely benign. Review status: criteria provided, single submitter. Criteria: ACMG Guidelines, 2015. Collection method: clinical testing. Allele origin: germline.

Clinical Genetics, Academic Medical Center
Classification: Benign. Review status: no assertion criteria provided. Collection method: clinical testing. Allele origin: germline. Affected: yes. Study: VKGL Data-share Consensus. Not counted in ClinVar's aggregate classification.

Laboratory of Diagnostic Genome Analysis, Leiden University Medical Center (LUMC)
Classification: Likely benign. Review status: no assertion criteria provided. Collection method: clinical testing. Allele origin: germline. Affected: yes. Study: VKGL Data-share Consensus. Not counted in ClinVar's aggregate classification.

NM_001848.3(COL6A1):c.859-20C>T

Gene: COL6A1 (collagen type VI alpha 1 chain; plus strand). Cytogenetic location: 21q22.3.
Variant type: single nucleotide variant.
Coding change: c.859-20C>T on transcript NM_001848.3 (MANE Select); 20 bases into the intron before coding-DNA position 859, C replaced by T.
Molecular consequence: intron variant.
Genome position (GRCh38, 1-based): chr21:45,989,588, C>T. VCF-style: chr21-45989588-C-T. GRCh37 (hg19) VCF-style: chr21-47409502-C-T.
Identifiers: ClinVar variation 93892 (VCV000093892.8), dbSNP rs78884675, ClinGen allele CA147420.